The following is an entry in ClinVar:

ClinVar aggregate classification (germline): Uncertain significance. Review status: criteria provided, multiple submitters, no conflicts (2 of 4 stars). 2 submissions from 2 submitters: Uncertain significance (2). Last evaluated 2026-01-14.

Allele frequency attached by ClinVar (database versions not stated): gnomAD 0.00001 and 0.00002; gnomAD exomes 0.00002 and 0.00006; TOPMed 0.00002; ExAC 0.00006.
gnomAD v4.1: 23 of 1,204,016 alleles (0.0019%); highest among the groups gnomAD compares: Admixed American, 0.026%; no homozygotes.

Submissions (2):

Labcorp Genetics (formerly Invitae), Labcorp
Classification: Uncertain significance. Last evaluated: 2026-01-14. Review status: criteria provided, single submitter. Criteria: Invitae Variant Classification Sherloc (09022015). Collection method: clinical testing. Allele origin: germline.
Comment: This sequence change replaces arginine, which is basic and polar, with tryptophan, which is neutral and slightly polar, at codon 1799 of the CACNA1F protein (p.Arg1799Trp). This variant is present in population databases (rs781841976, gnomAD 0.03%). This variant has not been reported in the literature in individuals affected with CACNA1F-related conditions. ClinVar contains an entry for this variant (Variation ID: 1356960). An algorithm developed to predict the effect of missense changes on protein structure and function (PolyPhen-2) suggests that this variant is likely to be tolerated. In summary, the available evidence is currently insufficient to determine the role of this variant in disease. Therefore, it has been classified as a Variant of Uncertain Significance.

Blueprint Genetics
Classification: Uncertain significance. Last evaluated: 2024-10-16. Review status: criteria provided, single submitter. Criteria: ACMG Guidelines, 2015. Collection method: clinical testing. Allele origin: germline.

NM_001256789.3(CACNA1F):c.5362C>T (p.Arg1788Trp)

Gene: CACNA1F (calcium voltage-gated channel subunit alpha1 F; minus strand). Cytogenetic location: Xp11.23.
Variant type: single nucleotide variant.
Coding change: c.5362C>T on transcript NM_001256789.3 (MANE Select); coding-DNA position 5362, C replaced by T.
Protein change: p.Arg1788Trp; replaces arginine 1788 with tryptophan.
Molecular consequence: missense variant.
Genome position (GRCh38, 1-based): chrX:49,206,621, G>A on the plus strand (C>T on the coding strand, the complement: CACNA1F is on the minus strand). VCF-style: chrX-49206621-G-A. GRCh37 (hg19) VCF-style: chrX-49063082-G-A.
Other names: c.5200C>T, p.Arg1734Trp (NM_001256790.3); c.5395C>T, p.Arg1799Trp (NM_005183.4); short protein forms R1734W, R1788W, R1799W.
Identifiers: ClinVar variation 1356960 (VCV001356960.7), dbSNP rs781841976, ClinGen allele CA10409989.
Genomic context (GRCh38, chrX:49,206,621, plus strand): 5'-TGGGTAAATCCTCACAACTGCCCTGGCGCTGCAGACACTGGATGGTGAAGGAGGGCTTCC[G>A]ACCTGGGGGTGGGTGGGGCACCAGGGGCAAATAGCAATGTCAGTGCTTCCCCAGATCTCT-3'
Protein context (NP_001243718.1, residues 1778-1798): RRLLPPTPAG[Arg1788Trp]KPSFTIQCLQ